The following is an entry in ClinVar:

NM_005188.4(CBL):c.2039C>T (p.Pro680Leu)

Gene: CBL (Cbl proto-oncogene; plus strand). Cytogenetic location: 11q23.3.
Variant type: single nucleotide variant.
Coding change: c.2039C>T on transcript NM_005188.4 (MANE Select); coding-DNA position 2039, C replaced by T.
Protein change: p.Pro680Leu; replaces proline 680 with leucine.
Molecular consequence: missense variant.
Genome position (GRCh38, 1-based): chr11:119,296,920, C>T. VCF-style: chr11-119296920-C-T. GRCh37 (hg19) VCF-style: chr11-119167630-C-T.
Other names: short protein forms P680L.
Identifiers: ClinVar variation 3620864 (VCV003620864.2).

ClinVar aggregate classification (germline): Uncertain significance (1 of 4 stars; one submission).

Conditions:
RASopathy. Also called: Noonan spectrum disorder; rasopathies. Identifiers: Orphanet 536391, MedGen C5555857, MONDO:0021060.

gnomAD v4.1: 2 of 1,518,514 alleles (0.00013%); highest among the groups gnomAD compares: South Asian, 0.0022%; no homozygotes.

Submission:

Labcorp Genetics (formerly Invitae), Labcorp
Classification: Uncertain significance for RASopathy. Last evaluated: 2025-02-05. Review status: criteria provided, single submitter. Criteria: Invitae Variant Classification Sherloc (09022015). Collection method: clinical testing. Allele origin: germline.
Comment: This sequence change replaces proline, which is neutral and non-polar, with leucine, which is neutral and non-polar, at codon 680 of the CBL protein (p.Pro680Leu). This variant is present in population databases (rs768065878, gnomAD 0.006%). This variant has not been reported in the literature in individuals affected with CBL-related conditions. Invitae Evidence Modeling of protein sequence and biophysical properties (such as structural, functional, and spatial information, amino acid conservation, physicochemical variation, residue mobility, and thermodynamic stability) indicates that this missense variant is not expected to disrupt CBL protein function with a negative predictive value of 95%. In summary, the available evidence is currently insufficient to determine the role of this variant in disease. Therefore, it has been classified as a Variant of Uncertain Significance.